The following is an entry in ClinVar:

NM_001042702.5(PJVK):c.417del (p.Phe140fs)

Gene: PJVK (pejvakin; plus strand). Cytogenetic location: 2q31.2.
Variant type: Deletion.
Coding change: c.417del on transcript NM_001042702.5 (MANE Select); coding-DNA position 417, one base deleted (C; older notation c.417delC).
Protein change: p.Phe140fs; shifts the reading frame from phenylalanine 140.
Molecular consequence: frameshift variant. On other transcripts: 5 prime UTR variant (2).
Genome position (GRCh38, 1-based): chr2:178,456,019, C deleted. VCF-style (leftmost placement, unchanged base first): chr2-178456018-AC-A. GRCh37 (hg19) VCF-style: chr2-179320745-AC-A.
Other names: c.426del, p.Phe143fs (NM_001353775.2); c.522del, p.Phe175fs (NM_001353776.2); c.-61del (NM_001353777.1, NM_001353778.2); c.417del, p.Phe140fs (NM_001369912.1); short protein forms F140fs, F175fs, F143fs.
Identifiers: ClinVar variation 5006134 (VCV005006134.2).

ClinVar aggregate classification (germline): Likely pathogenic (1 of 4 stars; one submission).

Conditions:
Autosomal recessive nonsyndromic hearing loss 59. Identifiers: Orphanet 90636, MedGen C1857744, MONDO:0012445, OMIM 610220.

Submission:

Juno Genomics, Hangzhou Juno Genomics, Inc
Classification: Likely pathogenic for Autosomal recessive nonsyndromic hearing loss 59. Review status: criteria provided, single submitter. Criteria: ACMG Guidelines, 2015. Collection method: clinical testing. Allele origin: germline.
Comment: Null variant in a gene where loss of function (LOF) is a known mechanism of disease.;Absent from controls (or at extremely low frequency if recessive) in Genome Aggregation Database.